The following is an entry in ClinVar:

ClinVar aggregate classification (germline): Uncertain significance (1 of 4 stars; one submission).

Conditions:
Congenital heart defects, dysmorphic facial features, and intellectual developmental disorder (CHDFIDD). Identifiers: Orphanet 646278, MedGen C4479246, MONDO:0044302, OMIM 617360.

Submission:

Laboratorio de Genetica e Diagnostico Molecular, Hospital Israelita Albert Einstein
Classification: Uncertain significance for Congenital heart defects, dysmorphic facial features, and intellectual developmental disorder. Last evaluated: 2024-07-03. Review status: criteria provided, single submitter. Criteria: ACMG Guidelines, 2015. Collection method: clinical testing. Allele origin: germline. Affected: yes.
Comment: ACMG classification criteria: PM2 supporting, BP4 supporting

NM_003718.5(CDK13):c.4429C>G (p.His1477Asp)

Gene: CDK13 (cyclin dependent kinase 13; plus strand). Cytogenetic location: 7p14.1.
Variant type: single nucleotide variant.
Coding change: c.4429C>G on transcript NM_003718.5 (MANE Select); coding-DNA position 4429, C replaced by G.
Protein change: p.His1477Asp; replaces histidine 1477 with aspartic acid.
Molecular consequence: missense variant.
Genome position (GRCh38, 1-based): chr7:40,094,870, C>G. VCF-style: chr7-40094870-C-G. GRCh37 (hg19) VCF-style: chr7-40134469-C-G.
Other names: c.4249C>G, p.His1417Asp (NM_031267.4); short protein forms H1417D, H1477D.
Identifiers: ClinVar variation 3902058 (VCV003902058.1).